The following is an entry in ClinVar:

NM_177438.3(DICER1):c.4777G>T (p.Val1593Leu)

Gene: DICER1 (dicer 1, ribonuclease III; minus strand). Cytogenetic location: 14q32.13.
Variant type: single nucleotide variant.
Coding change: c.4777G>T on transcript NM_177438.3 (MANE Select); coding-DNA position 4777, G replaced by T.
Protein change: p.Val1593Leu; replaces valine 1593 with leucine.
Molecular consequence: missense variant.
Genome position (GRCh38, 1-based): chr14:95,096,143, C>A on the plus strand (G>T on the coding strand, the complement: DICER1 is on the minus strand). VCF-style: chr14-95096143-C-A. GRCh37 (hg19) VCF-style: chr14-95562480-C-A.
Other names: c.4777G>T, p.Val1593Leu (NM_001195573.1, NM_001271282.3, NM_001291628.2 and 1 more transcripts); short protein forms V1593L.
Identifiers: ClinVar variation 825166 (VCV000825166.14), dbSNP rs1060503644, ClinGen allele CA390867209.

ClinVar aggregate classification (germline): Uncertain significance. Review status: criteria provided, multiple submitters, no conflicts (2 of 4 stars). 2 submissions from 2 submitters: Uncertain significance (2). Last evaluated 2025-07-17.

Conditions:
Hereditary cancer-predisposing syndrome. Also called: Neoplastic Syndromes, Hereditary; Hereditary Cancer Syndrome; Hereditary neoplastic syndrome; Tumor predisposition. Identifiers: Orphanet 140162, MedGen C0027672, MeSH D009386, MONDO:0015356.
DICER1-related tumor predisposition. Also called: DICER1-related pleuropulmonary blastoma cancer predisposition syndrome; DICER1 syndrome. Identifiers: Orphanet 284343, MedGen C3839822, MONDO:0100216.

gnomAD v4.1: 1 of 1,614,176 alleles (0.000062%); highest among the groups gnomAD compares: Admixed American, 0.0017%; no homozygotes.

Submissions (2):

Ambry Genetics
Classification: Uncertain significance for Hereditary cancer-predisposing syndrome. Last evaluated: 2025-07-17. Review status: criteria provided, single submitter. Criteria: Ambry Variant Classification Scheme 2023. Collection method: clinical testing. Allele origin: germline.
Comment: The p.V1593L variant (also known as c.4777G>T), located in coding exon 22 of the DICER1 gene, results from a G to T substitution at nucleotide position 4777. The valine at codon 1593 is replaced by leucine, an amino acid with highly similar properties. This amino acid position is well conserved in available vertebrate species. In addition, this alteration is predicted to be tolerated by in silico analysis. Based on the available evidence, the clinical significance of this variant remains unclear.

Labcorp Genetics (formerly Invitae), Labcorp
Classification: Uncertain significance for DICER1-related tumor predisposition. Last evaluated: 2021-02-24. Review status: criteria provided, single submitter. Criteria: Invitae Variant Classification Sherloc (09022015). Collection method: clinical testing. Allele origin: germline.
Comment: In summary, the available evidence is currently insufficient to determine the role of this variant in disease. Therefore, it has been classified as a Variant of Uncertain Significance. Algorithms developed to predict the effect of missense changes on protein structure and function output the following: SIFT: "Tolerated"; PolyPhen-2: "Benign"; Align-GVGD: "Class C0". The leucine amino acid residue is found in multiple mammalian species, suggesting that this missense change does not adversely affect protein function. These predictions have not been confirmed by published functional studies and their clinical significance is uncertain. This variant has not been reported in the literature in individuals with DICER1-related conditions. ClinVar contains an entry for this variant (Variation ID: 825166). This variant is not present in population databases (ExAC no frequency). This sequence change replaces valine with leucine at codon 1593 of the DICER1 protein (p.Val1593Leu). The valine residue is moderately conserved and there is a small physicochemical difference between valine and leucine.